The following is an entry in ClinVar:

ClinVar aggregate classification (germline): Uncertain significance. Review status: criteria provided, multiple submitters, no conflicts (2 of 4 stars). 2 submissions from 2 submitters: Uncertain significance (2). Last evaluated 2024-04-09.

Conditions:
Ataxia-telangiectasia syndrome (AT). Also called: ATAXIA-TELANGIECTASIA, COMPLEMENTATION GROUP A; Ataxia-telangiectasia, complementation group E; Cerebello-oculocutaneous telangiectasia; Immunodeficiency with ataxia telangiectasia; LOUIS-BAR SYNDROME; ATAXIA-TELANGIECTASIA, FRESNO VARIANT. Identifiers: Orphanet 100, MedGen C0004135, MONDO:0008840, OMIM 208900.
Hereditary cancer-predisposing syndrome. Also called: Hereditary Cancer Syndrome; Tumor predisposition; Neoplastic Syndromes, Hereditary; Hereditary neoplastic syndrome. Identifiers: Orphanet 140162, MedGen C0027672, MeSH D009386, MONDO:0015356.

Submissions (2):

Labcorp Genetics (formerly Invitae), Labcorp
Classification: Uncertain significance for Ataxia-telangiectasia syndrome. Last evaluated: 2024-04-09. Review status: criteria provided, single submitter. Criteria: Invitae Variant Classification Sherloc (09022015). Collection method: clinical testing. Allele origin: germline.
Comment: This sequence change replaces aspartic acid, which is acidic and polar, with tyrosine, which is neutral and polar, at codon 1080 of the ATM protein (p.Asp1080Tyr). Information on the frequency of this variant in the gnomAD database is not available, as this variant may be reported differently in the database. This variant has not been reported in the literature in individuals affected with ATM-related conditions. Experimental studies and prediction algorithms are not available or were not evaluated, and the functional significance of this variant is currently unknown. In summary, the available evidence is currently insufficient to determine the role of this variant in disease. Therefore, it has been classified as a Variant of Uncertain Significance.

Ambry Genetics
Classification: Uncertain significance for Hereditary cancer-predisposing syndrome. Last evaluated: 2024-02-02. Review status: criteria provided, single submitter. Criteria: Ambry Variant Classification Scheme 2023. Collection method: clinical testing. Allele origin: germline.
Comment: The c.3237_3238delTGinsCT variant (also known as p.D1080Y), located in coding exon 21 of the ATM gene, results from an in-frame deletion of TG and insertion of CT at nucleotide positions 3237 to 3238. This results in the substitution of the aspartic acid residue for a tyrosine residue at codon 1080, an amino acid with highly dissimilar properties. This amino acid position is highly conserved in available vertebrate species. In addition, the in silico prediction for this alteration is inconclusive (Choi Y et al. PLoS ONE. 2012; 7(10):e46688). Based on the available evidence, the clinical significance of this alteration remains unclear.

NM_000051.4(ATM):c.3237_3238delinsCT (p.Asp1080Tyr)

Gene: ATM (ATM serine/threonine kinase; plus strand). Cytogenetic location: 11q22.3.
Variant type: Indel.
Coding change: c.3237_3238delinsCT on transcript NM_000051.4 (MANE Select); coding-DNA positions 3237 to 3238, TG replaced by CT.
Protein change: p.Asp1080Tyr; replaces aspartic acid 1080 with tyrosine.
Molecular consequence: missense variant.
Genome position (GRCh38, 1-based): chr11:108,272,805-108,272,806, TG replaced by CT. VCF-style: chr11-108272805-TG-CT. GRCh37 (hg19) VCF-style: chr11-108143532-TG-CT.
Other names: c.3237_3238delinsCT, p.Asp1080Tyr (NM_001351834.2); short protein forms D1080Y.
Identifiers: ClinVar variation 3232914 (VCV003232914.3), dbSNP rs2546833821, ClinGen allele CA2825001825.
Genomic context (GRCh38, chr11:108,272,805, plus strand): 5'-CATTCTTAATGTAATGGGAAAAGACTTTCCTGTAAATGAAGTATTTACACAATTTCTTGC[TG>CT]ACAATCATCACCAAGTTCGCATGTTGGCTGCAGAGTCAATCAATAGGTAATGGGTCAAAT-3'
Protein context (NP_000042.3, residues 1070-1090): VNEVFTQFLA[Asp1080Tyr]NHHQVRMLAA